The following is an entry in ClinVar:

ClinVar aggregate classification (germline): Likely benign (1 of 4 stars; one submission).

Conditions:
SCAPER-related disorder. Also called: SCAPER-related condition.

gnomAD v4.1: 29 of 1,613,594 alleles (0.0018%); highest among the groups gnomAD compares: Non-Finnish European, 0.0023%; no homozygotes.

Submission:

PreventionGenetics, part of Exact Sciences
Classification: Likely benign for SCAPER-related condition. Last evaluated: 2025-11-24. Review status: criteria provided, single submitter. Criteria: ACMG Guidelines, 2015. Collection method: clinical testing. Allele origin: germline.
Comment: This variant is classified as likely benign based on ACMG/AMP sequence variant interpretation guidelines (Richards et al. 2015 PMID: 25741868, with internal and published modifications).

NM_020843.4(SCAPER):c.231G>A (p.Thr77=)

Gene: SCAPER (S-phase cyclin A associated protein in the ER; minus strand). Cytogenetic location: 15q24.3.
Variant type: single nucleotide variant.
Coding change: c.231G>A on transcript NM_020843.4 (MANE Select); coding-DNA position 231, G replaced by A.
Protein change: p.Thr77=; no amino-acid change (threonine 77 retained).
Molecular consequence: synonymous variant. On other transcripts: 5 prime UTR variant (4), non-coding transcript variant (1).
Genome position (GRCh38, 1-based): chr15:76,841,896, C>T on the plus strand (G>A on the coding strand, the complement: SCAPER is on the minus strand). VCF-style: chr15-76841896-C-T. GRCh37 (hg19) VCF-style: chr15-77134237-C-T.
Other names: c.-667G>A (NM_001145923.2); c.231G>A, p.Thr77= (NM_001353009.2); c.-172G>A (NM_001353010.2, NM_001353011.2, NM_001353012.2).
Identifiers: ClinVar variation 4987942 (VCV004987942.1).